The following is an entry in ClinVar:

ClinVar aggregate classification (germline): Uncertain significance (1 of 4 stars; one submission).

Allele frequency attached by ClinVar (database versions not stated): gnomAD exomes below 0.00001.
gnomAD v4.1: 2 of 1,613,806 alleles (0.00012%); highest among the groups gnomAD compares: Non-Finnish European, 0.000085%; no homozygotes.

Submission:

Ambry Genetics
Classification: Uncertain significance. Last evaluated: 2024-05-10. Review status: criteria provided, single submitter. Criteria: Ambry Variant Classification Scheme 2023. Collection method: clinical testing. Allele origin: germline.
Comment: The p.N1112I variant (also known as c.3335A>T), located in coding exon 17 of the NPAT gene, results from an A to T substitution at nucleotide position 3335. The asparagine at codon 1112 is replaced by isoleucine, an amino acid with dissimilar properties. This amino acid position is conserved. In addition, this alteration is predicted to be tolerated by in silico analysis. Since supporting evidence is limited at this time, the clinical significance of this alteration remains unclear.

NM_002519.3(NPAT):c.3335A>T (p.Asn1112Ile)

Gene: NPAT (nuclear protein, coactivator of histone transcription; minus strand). Cytogenetic location: 11q22.3.
Variant type: single nucleotide variant.
Coding change: c.3335A>T on transcript NM_002519.3 (MANE Select); coding-DNA position 3335, A replaced by T.
Protein change: p.Asn1112Ile; replaces asparagine 1112 with isoleucine.
Molecular consequence: missense variant.
Genome position (GRCh38, 1-based): chr11:108,161,751, T>A on the plus strand (A>T on the coding strand, the complement: NPAT is on the minus strand). VCF-style: chr11-108161751-T-A. GRCh37 (hg19) VCF-style: chr11-108032478-T-A.
Other names: c.3356A>T, p.Asn1119Ile (NM_001321307.1); short protein forms N1119I, N1112I.
Identifiers: ClinVar variation 1730349 (VCV001730349.3), dbSNP rs2496696448, ClinGen allele CA382511037.